The following is an entry in ClinVar:

NM_000283.4(PDE6B):c.2437G>A (p.Glu813Lys)

Gene: PDE6B (phosphodiesterase 6B; plus strand). Cytogenetic location: 4p16.3.
Variant type: single nucleotide variant.
Coding change: c.2437G>A on transcript NM_000283.4 (MANE Select); coding-DNA position 2437, G replaced by A.
Protein change: p.Glu813Lys; replaces glutamic acid 813 with lysine.
Molecular consequence: missense variant.
Genome position (GRCh38, 1-based): chr4:667,940, G>A. VCF-style: chr4-667940-G-A. GRCh37 (hg19) VCF-style: chr4-661729-G-A.
Other names: c.2437G>A, p.Glu813Lys (NM_001145291.2); c.1600G>A, p.Glu534Lys (NM_001145292.2, NM_001379246.1, NM_001379247.1); c.1600G>A, p.Asp534Asn (NM_001350154.3); c.1282G>A, p.Asp428Asn (NM_001350155.3); short protein forms E534K, D428N, D534N, E813K.
Identifiers: ClinVar variation 2322239 (VCV002322239.4), dbSNP rs750174591, ClinGen allele CA2795061.
Genomic context (GRCh38, chr4:667,940, plus strand): 5'-ATCCTGCCCATGTTCGACCGACTGCAGAACAATAGGAAAGAGTGGAAGGCGCTGGCTGAT[G>A]AGTATGAGGCCAAAGTGAAGGCTCTGGAGGAGAAGGAGGAGGAGGAGAGGGTGGCAGCCA-3'
Protein context (NP_000274.3, residues 803-823): NRKEWKALAD[Glu813Lys]YEAKVKALEE

ClinVar aggregate classification (germline): Uncertain significance. Review status: criteria provided, multiple submitters, no conflicts (2 of 4 stars). 2 submissions from 2 submitters: Uncertain significance (2). Last evaluated 2025-07-31.

Conditions:
Inborn genetic diseases. Identifiers: MedGen C0950123, MeSH D030342.

Allele frequency attached by ClinVar (database versions not stated): ExAC 0.00001; gnomAD exomes below 0.00001; TOPMed 0.00002; gnomAD 0.00001.
gnomAD v4.1: 5 of 1,613,324 alleles (0.00031%); highest among the groups gnomAD compares: Non-Finnish European, 0.00042%; no homozygotes.

Submissions (2):

Ambry Genetics
Classification: Uncertain significance for Inborn genetic diseases. Last evaluated: 2025-07-31. Review status: criteria provided, single submitter. Criteria: Ambry Variant Classification Scheme 2023. Collection method: clinical testing. Allele origin: germline.

Labcorp Genetics (formerly Invitae), Labcorp
Classification: Uncertain significance. Last evaluated: 2025-06-06. Review status: criteria provided, single submitter. Criteria: Invitae Variant Classification Sherloc (09022015). Collection method: clinical testing. Allele origin: germline.
Comment: This sequence change replaces glutamic acid, which is acidic and polar, with lysine, which is basic and polar, at codon 813 of the PDE6B protein (p.Glu813Lys). This variant is present in population databases (rs750174591, gnomAD 0.0009%). This variant has not been reported in the literature in individuals affected with PDE6B-related conditions. ClinVar contains an entry for this variant (Variation ID: 2322239). Invitae Evidence Modeling of protein sequence and biophysical properties (such as structural, functional, and spatial information, amino acid conservation, physicochemical variation, residue mobility, and thermodynamic stability) indicates that this missense variant is not expected to disrupt PDE6B protein function with a negative predictive value of 80%. In summary, the available evidence is currently insufficient to determine the role of this variant in disease. Therefore, it has been classified as a Variant of Uncertain Significance.